The following is an entry in ClinVar:

ClinVar aggregate classification (germline): Likely benign. Review status: criteria provided, multiple submitters, no conflicts (2 of 4 stars). 3 submissions from 3 submitters: Likely benign (3). Last evaluated 2026-01-13.

Conditions:
CNGB1-related disorder. Also called: CNGB1-related condition.

Allele frequency attached by ClinVar (database versions not stated): ESP Exome Variant Server 0.00008; TOPMed 0.00008; gnomAD 0.00010 and 0.00011; 1000 Genomes Project 0.00020; gnomAD exomes 0.00026; ExAC 0.00033.
gnomAD v4.1: 296 of 1,613,648 alleles (0.018%); highest among the groups gnomAD compares: Middle Eastern, 0.28%; 2 homozygotes.

Submissions (3):

Labcorp Genetics (formerly Invitae), Labcorp
Classification: Likely benign. Last evaluated: 2026-01-13. Review status: criteria provided, single submitter. Criteria: Invitae Variant Classification Sherloc (09022015). Collection method: clinical testing. Allele origin: germline.

PreventionGenetics, part of Exact Sciences
Classification: Likely benign for CNGB1-related condition. Last evaluated: 2025-03-06. Review status: criteria provided, single submitter. Criteria: ACMG Guidelines, 2015. Collection method: clinical testing. Allele origin: germline.
Comment: This variant is classified as likely benign based on ACMG/AMP sequence variant interpretation guidelines (Richards et al. 2015 PMID: 25741868, with internal and published modifications).

Blueprint Genetics
Classification: Likely benign. Last evaluated: 2024-10-18. Review status: criteria provided, single submitter. Criteria: ACMG Guidelines, 2015. Collection method: clinical testing. Allele origin: germline.

NM_001297.5(CNGB1):c.1668G>A (p.Thr556=)

Gene: CNGB1 (cyclic nucleotide gated channel subunit beta 1; minus strand). Cytogenetic location: 16q21.
Variant type: single nucleotide variant.
Coding change: c.1668G>A on transcript NM_001297.5 (MANE Select); coding-DNA position 1668, G replaced by A.
Protein change: p.Thr556=; no amino-acid change (threonine 556 retained).
Molecular consequence: synonymous variant.
Genome position (GRCh38, 1-based): chr16:57,920,520, C>T on the plus strand (G>A on the coding strand, the complement: CNGB1 is on the minus strand). VCF-style: chr16-57920520-C-T. GRCh37 (hg19) VCF-style: chr16-57954424-C-T.
Other names: c.1650G>A, p.Thr550= (NM_001286130.2); c.1668G>A (NM_001297.4).
Identifiers: ClinVar variation 1077920 (VCV001077920.11), dbSNP rs200720590, ClinGen allele CA8083331.